The following is an entry in ClinVar:

ClinVar aggregate classification (germline): Uncertain significance (1 of 4 stars; one submission).

Conditions:
Dystonic disorder. Also called: Dystonia. Identifiers: MedGen C0013421, MONDO:0003441, HP:0001332.

Allele frequency attached by ClinVar (database versions not stated): TOPMed below 0.00001; gnomAD 0.00001.
gnomAD v4.1: 2 of 1,614,052 alleles (0.00012%); highest among the groups gnomAD compares: African/African-American, 0.0027%; no homozygotes.

Submission:

Labcorp Genetics (formerly Invitae), Labcorp
Classification: Uncertain significance for Dystonic disorder. Last evaluated: 2019-10-03. Review status: criteria provided, single submitter. Criteria: Invitae Variant Classification Sherloc (09022015). Collection method: clinical testing. Allele origin: germline.
Comment: This sequence change replaces proline with serine at codon 249 of the CIZ1 protein (p.Pro249Ser). The proline residue is highly conserved and there is a moderate physicochemical difference between proline and serine. This variant is not present in population databases (ExAC no frequency). This variant has not been reported in the literature in individuals with CIZ1-related conditions. Algorithms developed to predict the effect of missense changes on protein structure and function (SIFT, PolyPhen-2, Align-GVGD) all suggest that this variant is likely to be disruptive, but these predictions have not been confirmed by published functional studies and their clinical significance is uncertain. In summary, the available evidence is currently insufficient to determine the role of this variant in disease. Therefore, it has been classified as a Variant of Uncertain Significance.

NM_001131016.2(CIZ1):c.745C>T (p.Pro249Ser)

Gene: CIZ1 (CDKN1A interacting zinc finger protein 1; minus strand). Cytogenetic location: 9q34.11.
Variant type: single nucleotide variant.
Coding change: c.745C>T on transcript NM_001131016.2 (MANE Select); coding-DNA position 745, C replaced by T.
Protein change: p.Pro249Ser; replaces proline 249 with serine.
Molecular consequence: missense variant.
Genome position (GRCh38, 1-based): chr9:128,180,461, G>A on the plus strand (C>T on the coding strand, the complement: CIZ1 is on the minus strand). VCF-style: chr9-128180461-G-A. GRCh37 (hg19) VCF-style: chr9-130942740-G-A.
Other names: c.745C>T, p.Pro249Ser (NM_001131015.2, NM_012127.3); c.730C>T, p.Pro244Ser (NM_001131017.2); c.673C>T, p.Pro225Ser (NM_001131018.2); c.835C>T, p.Pro279Ser (NM_001257975.2); c.442C>T, p.Pro148Ser (NM_001257976.2); short protein forms P148S, P244S, P249S, P225S, P279S.
Identifiers: ClinVar variation 954730 (VCV000954730.9), dbSNP rs1239936594, ClinGen allele CA375030408.